The following is an entry in ClinVar:

NM_000477.7(ALB):c.1073A>G (p.Tyr358Cys)

Gene: ALB (albumin; plus strand). Cytogenetic location: 4q13.3.
Variant type: single nucleotide variant.
Coding change: c.1073A>G on transcript NM_000477.7 (MANE Select); coding-DNA position 1073, A replaced by G.
Protein change: p.Tyr358Cys; replaces tyrosine 358 with cysteine.
Molecular consequence: missense variant.
Genome position (GRCh38, 1-based): chr4:73,415,049, A>G. VCF-style: chr4-73415049-A-G. GRCh37 (hg19) VCF-style: chr4-74280766-A-G.
Other names: short protein forms Y358C.
Identifiers: ClinVar variation 349626 (VCV000349626.5), dbSNP rs537985931, ClinGen allele CA2959543.

ClinVar aggregate classification (germline): Likely benign (1 of 4 stars; one submission).

Conditions:
Hyperthyroxinemia, familial dysalbuminemic (FDAH). Also called: EUTHYROID HYPERTHYROXINEMIA 1. Identifiers: MedGen C0342185, MONDO:0014448, OMIM 615999.

Allele frequency attached by ClinVar (database versions not stated): TOPMed below 0.00001; gnomAD 0.00001; gnomAD exomes 0.00001 and 0.00003; ExAC 0.00002.
gnomAD v4.1: 17 of 1,613,988 alleles (0.0011%); highest among the groups gnomAD compares: East Asian, 0.022%; no homozygotes.

Submission:

Illumina Laboratory Services, Illumina
Classification: Likely benign for Hyperthyroxinemia, familial dysalbuminemic. Last evaluated: 2018-01-13. Review status: criteria provided, single submitter. Criteria: ICSL Variant Classification Criteria 13 December 2019. Collection method: clinical testing. Allele origin: germline.
Comment: This variant was observed in the ICSL laboratory as part of a predisposition screen in an ostensibly healthy population. It had not been previously curated by ICSL or reported in the Human Gene Mutation Database (HGMD: prior to June 1st, 2018), and was therefore a candidate for classification through an automated scoring system. Utilizing variant allele frequency, disease prevalence and penetrance estimates, and inheritance mode, an automated score was calculated to assess if this variant is too frequent to cause the disease. Based on the score and internal cut-off values, a variant classified as likely benign is not then subjected to further curation. The score for this variant resulted in a classification of likely benign for this disease.